The following is an entry in ClinVar:

ClinVar aggregate classification (germline): Benign/Likely benign. Review status: criteria provided, multiple submitters, no conflicts (2 of 4 stars). 3 submissions from 3 submitters: Benign (1); Likely benign (2). Last evaluated 2026-01-23.

Conditions:
TIMP3-related disorder. Also called: TIMP3-related condition.

Allele frequency attached by ClinVar (database versions not stated): gnomAD exomes 0.00003 and 0.00004; ExAC 0.00006; ESP Exome Variant Server 0.00008; TOPMed 0.00029; gnomAD 0.00030 and 0.00032.
gnomAD v4.1: 84 of 1,614,044 alleles (0.0052%); highest among the groups gnomAD compares: African/African-American, 0.1%; 1 homozygote.

Submissions (3):

Labcorp Genetics (formerly Invitae), Labcorp
Classification: Benign. Last evaluated: 2026-01-23. Review status: criteria provided, single submitter. Criteria: Invitae Variant Classification Sherloc (09022015). Collection method: clinical testing. Allele origin: germline.

PreventionGenetics, part of Exact Sciences
Classification: Likely benign for TIMP3-related condition. Last evaluated: 2025-07-29. Review status: criteria provided, single submitter. Criteria: ACMG Guidelines, 2015. Collection method: clinical testing. Allele origin: germline.
Comment: This variant is classified as likely benign based on ACMG/AMP sequence variant interpretation guidelines (Richards et al. 2015 PMID: 25741868, with internal and published modifications).

Blueprint Genetics
Classification: Likely benign. Last evaluated: 2022-11-06. Review status: criteria provided, single submitter. Criteria: ACMG Guidelines, 2015. Collection method: clinical testing. Allele origin: germline.

NM_000362.5(TIMP3):c.519T>C (p.Gly173=)

Genes: SYN3 (synapsin III; minus strand), TIMP3 (TIMP metallopeptidase inhibitor 3; plus strand). Cytogenetic location: 22q12.3.
Variant type: single nucleotide variant.
Coding change: c.519T>C on transcript NM_000362.5 (MANE Select); coding-DNA position 519, T replaced by C.
Protein change: p.Gly173=; no amino-acid change (glycine 173 retained).
Molecular consequence: synonymous variant. On other transcripts: intron variant (7).
Genome position (GRCh38, 1-based): chr22:32,859,260, T>C. VCF-style: chr22-32859260-T-C. GRCh37 (hg19) VCF-style: chr22-33255247-T-C.
Other names: c.519T>C (NM_000362.4); c.708+5655A>G (NM_001369909.1, NM_001135774.2, NM_001369910.1); c.711+5655A>G (NM_001369907.1, NM_003490.4, NM_001369908.1 and 1 more transcripts).
Identifiers: ClinVar variation 1166669 (VCV001166669.11), dbSNP rs369072080, ClinGen allele CA10202281.
Genomic context (GRCh38, chr22:32,859,260, plus strand): 5'-GCCTTGCTTTGTGACTTCCAAGAACGAGTGTCTCTGGACCGACATGCTCTCCAATTTCGG[T>C]TACCCTGGCTACCAGTCCAAACACTACGCCTGCATCCGGCAGAAGGGCGGCTACTGCAGC-3'
Protein context (NP_000353.1, residues 163-183): CLWTDMLSNF[Gly173=]YPGYQSKHYA